The following is an entry in ClinVar:

ClinVar aggregate classification (germline): Uncertain significance (1 of 4 stars; one submission).

gnomAD v4.1: 1 of 1,613,458 alleles (0.000062%); highest among the groups gnomAD compares: Non-Finnish European, 0.000085%; no homozygotes.

Submission:

GeneDx
Classification: Uncertain significance. Last evaluated: 2024-06-04. Review status: criteria provided, single submitter. Criteria: GeneDx Variant Classification Process June 2021. Collection method: clinical testing. Allele origin: germline. Affected: yes.
Comment: Not observed at significant frequency in large population cohorts (gnomAD); In silico analysis supports that this missense variant has a deleterious effect on protein structure/function; Has not been previously published as pathogenic or benign to our knowledge

NM_138694.4(PKHD1):c.2867C>G (p.Ser956Cys)

Gene: PKHD1 (PKHD1 ciliary IPT domain containing fibrocystin/polyductin; minus strand). Cytogenetic location: 6p12.2.
Variant type: single nucleotide variant.
Coding change: c.2867C>G on transcript NM_138694.4 (MANE Select); coding-DNA position 2867, C replaced by G.
Protein change: p.Ser956Cys; replaces serine 956 with cysteine.
Molecular consequence: missense variant.
Genome position (GRCh38, 1-based): chr6:52,043,089, G>C on the plus strand (C>G on the coding strand, the complement: PKHD1 is on the minus strand). VCF-style: chr6-52043089-G-C. GRCh37 (hg19) VCF-style: chr6-51907887-G-C.
Other names: c.2867C>G, p.Ser956Cys (NM_170724.3); short protein forms S956C.
Identifiers: ClinVar variation 3384631 (VCV003384631.1).